The following is an entry in ClinVar:

ClinVar aggregate classification (germline): Conflicting classifications of pathogenicity. Review status: criteria provided, conflicting classifications (1 of 4 stars). 16 submissions from 14 submitters: Uncertain significance (13); Likely benign (3). Last evaluated 2026-09-22.

Conditions:
DSP-related disorder. Also called: DSP-related condition; DSP-related disorders.
Cardiovascular phenotype. Identifiers: MedGen CN230736.
Arrhythmogenic right ventricular cardiomyopathy (ARVD). Also called: Arrhythmogenic right ventricular dysplasia; Cardiomyopathy, ARVC; Arrhythmogenic Right Ventricular Cardiomyopathy (ARVC); Arrhythmogenic cardiomyopathy. Identifiers: Orphanet 247, MedGen C0349788, MeSH D019571, MONDO:0016587. Disease mechanism: loss of function. Inheritance: Various modes of inheritance.
Arrhythmogenic right ventricular dysplasia 8 (ARVD8). Also called: Arrhythmogenic Right Ventricular Dysplasia/Cardiomyopathy 8; ARRHYTHMOGENIC RIGHT VENTRICULAR DYSPLASIA, FAMILIAL, 8; ARRHYTHMOGENIC RIGHT VENTRICULAR CARDIOMYOPATHY 8. Identifiers: MedGen C1843896, MONDO:0011831, OMIM 607450.
Arrhythmogenic cardiomyopathy with wooly hair and keratoderma. Also called: Carvajal syndrome; Dilated cardiomyopathy with woolly hair and keratoderma; PALMOPLANTAR KERATODERMA WITH LEFT VENTRICULAR CARDIOMYOPATHY AND WOOLLY HAIR; Arrhythmogenic cardiomyopathy with woolly hair and keratoderma. Identifiers: Orphanet 65282, MedGen C1854063, MONDO:0011581, OMIM 605676.
Cardiomyopathy (CMYO). Also called: Cardiomyopathies. Identifiers: Orphanet 167848, MedGen C0878544, MONDO:0004994, HP:0001638. Inheritance: Various modes of inheritance.
Woolly hair-skin fragility syndrome (WHSF). Identifiers: Orphanet 293165, MedGen C1843292, MONDO:0957307, OMIM 620415.
Lethal acantholytic epidermolysis bullosa (EBLA). Identifiers: Orphanet 158687, MedGen C1864826, MONDO:0012323, OMIM 609638.
Cardiomyopathy, dilated, with wooly hair, keratoderma, and tooth agenesis. Also called: Erythrokeratodermia-cardiomyopathy syndrome; Cardiomyopathy, dilated, with woolly hair, keratoderma, and tooth agenesis. Identifiers: Orphanet 476096, Orphanet 65282, MedGen C4014393, MONDO:0014355, OMIM 615821.
Keratosis palmoplantaris striata 2. Also called: KERATODERMA, PALMOPLANTAR, STRIATE FORM II; STRIATE PALMOPLANTAR KERATODERMA II; Keratosis palmoplantaris striata II. Identifiers: MedGen C1852127, MONDO:0013034, OMIM 612908.

Allele frequency attached by ClinVar (database versions not stated): ExAC 0.00012; gnomAD 0.00014; gnomAD exomes 0.00015; TOPMed 0.00015; ESP Exome Variant Server 0.00031.
gnomAD v4.1: 234 of 1,614,108 alleles (0.014%); highest among the groups gnomAD compares: Non-Finnish European, 0.018%; 2 homozygotes.

Submissions 1 to 6 of 16:

PreventionGenetics, part of Exact Sciences
Classification: Uncertain significance for DSP-related condition. Last evaluated: 2026-09-22. Review status: criteria provided, single submitter. Criteria: ACMG Guidelines, 2015. Collection method: clinical testing. Allele origin: germline.
Comment: The DSP c.242G>A variant is predicted to result in the amino acid substitution p.Cys81Tyr. This variant has been reported as a variant of uncertain significance in multiple individuals with DSP-related phenotypes (Visser et al. 2017. PubMed ID: 28087426; Table S3, Miszalski-Jamka et al. 2017. PubMed ID: 28798025; Table S2, van Lint et al. 2019. PubMed ID: 30847666; Supplementary data, Marschall et al. 2019. PubMed ID: 31737537). This variant was also reported in an individual with arrhythmogenic right ventricular cardiomyopathy; however, this individual also carried a pathogenic variant in the PKP2 gene which could potentially explain the phenotypes (Christensen et al. 2010. PubMed ID: 20864495). Although we suspect that this variant may be benign, at this time, the clinical significance of this variant is uncertain due to the absence of conclusive functional and genetic evidence.

Labcorp Genetics (formerly Invitae), Labcorp
Classification: Likely benign for Arrhythmogenic cardiomyopathy with wooly hair and keratoderma; Arrhythmogenic right ventricular dysplasia 8. Last evaluated: 2026-01-12. Review status: criteria provided, single submitter. Criteria: Invitae Variant Classification Sherloc (09022015). Collection method: clinical testing. Allele origin: germline.

All of Us Research Program, National Institutes of Health
Classification: Uncertain significance for Arrhythmogenic cardiomyopathy with wooly hair and keratoderma. Last evaluated: 2024-09-23. Review status: criteria provided, single submitter. Criteria: ACMG Guidelines, 2015. Collection method: clinical testing. Allele origin: germline. Inheritance: Autosomal dominant inheritance. Observed: 66 variant alleles, 66 heterozygotes.
Comment: This missense variant replaces cysteine with tyrosine at codon 81 of the DSP protein. Computational prediction suggests that this variant may not impact protein structure and function (internally defined REVEL score threshold <= 0.5, PMID: 27666373). To our knowledge, functional studies have not been reported for this variant. This variant has been reported in an individual affected with arrhythmogenic right ventricular cardiomyopathy, who also carried a pathogenic variant in the PKP2 gene that could explain the observed phenotype (PMID 20864495). This variant has been reported in individuals affected with idiopathic ventricular fibrillation (PMID: 28087426), conduction disease (PMID: 28254189) and left ventricular noncompaction (PMID: 28798025). This variant has been identified in 45/282656 chromosomes (37/128999 non-Finnish European chromosomes) in the general population by the Genome Aggregation Database (gnomAD). The available evidence is insufficient to determine the role of this variant in disease conclusively. Therefore, this variant is classified as a Variant of Uncertain Significance.

This study involves interpretation of variants in research participants for the purpose of population health screening. Participant phenotype was not available at the time of variant classification. Additional details can be found in publication PMID: 35346344, PMCID: PMC8962531

Color Diagnostics, LLC DBA Color Health
Classification: Uncertain significance for Cardiomyopathy. Last evaluated: 2024-01-23. Review status: criteria provided, single submitter. Criteria: ACMG Guidelines, 2015. Collection method: clinical testing. Allele origin: germline.
Comment: This missense variant replaces cysteine with tyrosine at codon 81 of the DSP protein. Computational prediction suggests that this variant may not impact protein structure and function (internally defined REVEL score threshold <= 0.5, PMID: 27666373). To our knowledge, functional studies have not been reported for this variant. This variant has been reported in an individual affected with arrhythmogenic right ventricular cardiomyopathy, who also carried a pathogenic variant in the PKP2 gene that could explain the observed phenotype (PMID 20864495). This variant has been reported in individuals affected with idiopathic ventricular fibrillation (PMID: 28087426), conduction disease (PMID: 28254189) and left ventricular noncompaction (PMID: 28798025). This variant has been identified in 45/282656 chromosomes (37/128999 non-Finnish European chromosomes) in the general population by the Genome Aggregation Database (gnomAD). The available evidence is insufficient to determine the role of this variant in disease conclusively. Therefore, this variant is classified as a Variant of Uncertain Significance.

Women's Health and Genetics/Laboratory Corporation of America, LabCorp
Classification: Uncertain significance. Last evaluated: 2023-12-11. Review status: criteria provided, single submitter. Criteria: LabCorp Variant Classification Summary - May 2015. Collection method: clinical testing. Allele origin: germline.
Comment: Variant summary: DSP c.242G>A (p.Cys81Tyr) results in a non-conservative amino acid change in the encoded protein sequence. Three of four in-silico tools predict a damaging effect of the variant on protein function. The variant allele was found at a frequency of 0.00014 in 1614108 control chromosomes in the gnomAD database, including 2 homozygotes. This frequency is not significantly higher than estimated for a pathogenic variant in DSP causing Arrhythmogenic Right Ventricular Dysplasia/Cardiomyopathy (0.00014 vs 0.0002), allowing no conclusion about variant significance. c.242G>A has been reported in the literature as a VUS in settings of multigene panel testing among individuals affected with a variety of phenotypes such as ARVC, idiopathic ventricular fibrillation (IVF), left ventricular hypertrabeculation (LVHT) or LVNC, conduction disease, referral cohort for genetic testing based on a suspected diagnosis of LQTS, BrS, CPVT, HCM, DCM or ARVC (example, Christensen_2010, Visser_2017, Miszalski-Jamka_2017, Arbustini_2017, Marschall_2019). At-least one individual diagnosed with ARVC carried a causative variant in the PKP2 gene that co-segregated with disease in the family, whereas this variant did not (example, Christensen_2010). These report(s) do not provide unequivocal conclusions about association of the variant with Arrhythmogenic Right Ventricular Dysplasia/Cardiomyopathy. To our knowledge, no experimental evidence demonstrating an impact on protein function has been reported. Ten submitters have cited clinical-significance assessments for this variant to ClinVar after 2014. Multiple submitters reported the variant with conflicting assessments (VUS=7, likely benign =3). Based on the evidence outlined above, the variant was classified as uncertain significance.

GeneDx
Classification: Likely benign. Last evaluated: 2023-04-25. Review status: criteria provided, single submitter. Criteria: GeneDx Variant Classification Process June 2021. Collection method: clinical testing. Allele origin: germline. Affected: yes.
Comment: Reported in a individual with arrhythmogenic right ventricular cardiomyopathy (ARVC); however, this individual also harbored a canonical splice site variant in the PKP2 gene, which was identified in an affected sibling who did not harbor the p.(C81Y) variant (Christensen et al., 2010); Reported in additional unrelated individuals with idiopathic ventricular fibrillation, conduction disease, left ventricular noncompaction cardiomyopathy (LVNC) and/or left ventricular hypertrabeculation, hypertrophic cardiomyopathy (HCM), dilated cardiomyopathy (DCM), and ARVC (Visser et al., 2017; Arbustini et al., 2017; Miszalski-Jamka et al., 2017; van Lint et al., 2019; Marschall et al., 2019); In silico analysis supports that this missense variant does not alter protein structure/function; This variant is associated with the following publications: (PMID: 28798025, 28254189, 31737537, 30847666, 20864495, 28087426)

NM_004415.4(DSP):c.242G>A (p.Cys81Tyr)

Gene: DSP (desmoplakin; plus strand). Cytogenetic location: 6p24.3.
Variant type: single nucleotide variant.
Coding change: c.242G>A on transcript NM_004415.4 (MANE Select); coding-DNA position 242, G replaced by A.
Protein change: p.Cys81Tyr; replaces cysteine 81 with tyrosine.
Molecular consequence: missense variant.
Genome position (GRCh38, 1-based): chr6:7,555,789, G>A. VCF-style: chr6-7555789-G-A. GRCh37 (hg19) VCF-style: chr6-7556022-G-A.
Other names: p.C81Y:TGC>TAC; c.242G>A, p.Cys81Tyr (NM_001008844.3, NM_001319034.2); short protein forms C81Y.
Identifiers: ClinVar variation 44875 (VCV000044875.40), dbSNP rs140965835, ClinGen allele CA005366.